The following is an entry in ClinVar:

NM_001130987.2(DYSF):c.3991C>T (p.Gln1331Ter)

Gene: DYSF (dysferlin; plus strand). Cytogenetic location: 2p13.2.
Variant type: single nucleotide variant.
Coding change: c.3991C>T on transcript NM_001130987.2 (MANE Select); coding-DNA position 3991, C replaced by T.
Protein change: p.Gln1331Ter; replaces glutamine 1331 with a stop codon.
Molecular consequence: nonsense.
Genome position (GRCh38, 1-based): chr2:71,611,278, C>T. VCF-style: chr2-71611278-C-T. GRCh37 (hg19) VCF-style: chr2-71838408-C-T.
Other names: c.3940C>T, p.Gln1314Ter (NM_001130455.2, NM_001130983.2); c.3895C>T, p.Gln1299Ter (NM_001130976.2, NM_001130977.2); c.3937C>T, p.Gln1313Ter (NM_001130978.2, NM_003494.4); c.4030C>T, p.Gln1344Ter (NM_001130979.2); c.3988C>T, p.Gln1330Ter (NM_001130980.2, NM_001130981.2); c.4033C>T, p.Gln1345Ter (NM_001130982.2); c.3898C>T, p.Gln1300Ter (NM_001130984.2, NM_001130986.2); c.3991C>T, p.Gln1331Ter (NM_001130985.2); and 1 more; short protein forms Q1313*, Q1331*, Q1300*, Q1345*, Q1330*, Q1314*, Q1344*, Q1299*.
Identifiers: ClinVar variation 635045 (VCV000635045.2), dbSNP rs1558613592, ClinGen allele CA347228166.

ClinVar aggregate classification (germline): Pathogenic/Likely pathogenic. Review status: criteria provided, multiple submitters, no conflicts (2 of 4 stars). 2 submissions from 2 submitters: Pathogenic (1); Likely pathogenic (1). Last evaluated 2020-12-24.

Conditions:
Miyoshi muscular dystrophy 1 (MMD1). Identifiers: Orphanet 45448, MedGen C4551973, MONDO:0024545, OMIM 254130.
Autosomal recessive limb-girdle muscular dystrophy type 2B (LGMDR2). Also called: Limb-girdle muscular dystrophy, type 2B; Limb-Girdle Muscular Dystrophy Type 2B (LGMD2B); MUSCULAR DYSTROPHY, LIMB-GIRDLE, AUTOSOMAL RECESSIVE 2; MUSCULAR DYSTROPHY, LIMB-GIRDLE, TYPE 3. Identifiers: Orphanet 268, MedGen C1850889, MONDO:0009676, OMIM 253601.

Submissions (2):

Kariminejad - Najmabadi Pathology & Genetics Center
Classification: Pathogenic for Miyoshi muscular dystrophy 1; Autosomal recessive limb-girdle muscular dystrophy type 2B. Last evaluated: 2020-12-24. Review status: criteria provided, single submitter. Criteria: ACMG Guidelines, 2015. Collection method: clinical testing. Allele origin: germline. Inheritance: Autosomal recessive inheritance. Affected: yes. Observed: 2 variant alleles.
Comment: [PVS1, PM2, PP3, PP5]

Broad Center for Mendelian Genomics, Broad Institute of MIT and Harvard
Classification: Likely pathogenic for Autosomal recessive limb-girdle muscular dystrophy type 2B. Last evaluated: 2018-06-15. Review status: criteria provided, single submitter. Criteria: ACMG Guidelines, 2015. Collection method: research. Allele origin: germline. Inheritance: Autosomal recessive inheritance. Affected: yes.
Comment: This variant was absent from large population studies and computational prediction tools suggest that this variant may impact the protein. Loss of function of the DYSF gene is an established disease mechanism in autosomal recessive limb-girdle muscular dystrophy, and this is a loss of function variant. In summary, although additional studies are required to fully establish its pathogenicity, this variant is likely pathogenic.